The following is an entry in ClinVar:

ClinVar aggregate classification (germline): Benign (0 of 4 stars; one submission).

Conditions:
GATB-related disorder. Also called: GATB-related condition.

Allele frequency attached by ClinVar (database versions not stated): 1000 Genomes Project 0.00839; 1000 Genomes Project 30x 0.00874; TOPMed 0.02353; ESP Exome Variant Server 0.02999; gnomAD exomes 0.03603.
gnomAD v4.1: 55,990 of 1,612,322 alleles (3.5%); highest among the groups gnomAD compares: Non-Finnish European, 4.2%; 1,084 homozygotes.

Submission:

PreventionGenetics, part of Exact Sciences
Classification: Benign for GATB-related condition. Last evaluated: 2019-11-25. Review status: no assertion criteria provided. Collection method: clinical testing. Allele origin: germline.
Comment: This variant is classified as benign based on ACMG/AMP sequence variant interpretation guidelines (Richards et al. 2015 PMID: 25741868, with internal and published modifications).

NM_004564.3(GATB):c.1287T>G (p.Thr429=)

Gene: GATB (glutamyl-tRNA amidotransferase subunit B; minus strand). Cytogenetic location: 4q31.3.
Variant type: single nucleotide variant.
Coding change: c.1287T>G on transcript NM_004564.3 (MANE Select); coding-DNA position 1287, T replaced by G.
Protein change: p.Thr429=; no amino-acid change (threonine 429 retained).
Molecular consequence: synonymous variant.
Genome position (GRCh38, 1-based): chr4:151,688,674, A>C on the plus strand (T>G on the coding strand, the complement: GATB is on the minus strand). VCF-style: chr4-151688674-A-C. GRCh37 (hg19) VCF-style: chr4-152609826-A-C.
Other names: c.1287T>G, p.Thr429= (NM_001363341.2).
Identifiers: ClinVar variation 3056173 (VCV003056173.2), dbSNP rs62327344, ClinGen allele CA3105630.
Genomic context (GRCh38, chr4:151,688,674, plus strand): 5'-CCCAGACCTCACTCACCTCTCACTGACAGCGAGGTTCTGTTGCTTTAAATAGCCCAGAAA[A>C]GTGTTGAGGACCCAACTAGTCACCTTTTTTGGCTCTGCCCTAGTTTCTTTTATCACATTT-3'
Protein context (NP_004555.1, residues 419-439): PKKVTSWVLN[Thr429=]FLGYLKQQNL